The following is an entry in ClinVar:

NM_001286.5(CLCN6):c.1106A>C (p.Lys369Thr)

Gene: CLCN6 (chloride voltage-gated channel 6; plus strand). Cytogenetic location: 1p36.22.
Variant type: single nucleotide variant.
Coding change: c.1106A>C on transcript NM_001286.5 (MANE Select); coding-DNA position 1106, A replaced by C.
Protein change: p.Lys369Thr; replaces lysine 369 with threonine.
Molecular consequence: missense variant. On other transcripts: non-coding transcript variant (1).
Genome position (GRCh38, 1-based): chr1:11,828,609, A>C. VCF-style: chr1-11828609-A-C. GRCh37 (hg19) VCF-style: chr1-11888666-A-C.
Other names: c.1040A>C, p.Lys347Thr (NM_001256959.2); short protein forms K369T, K347T.
Identifiers: ClinVar variation 1473809 (VCV001473809.9), dbSNP rs2100642901, ClinGen allele CA338430762.

ClinVar aggregate classification (germline): Uncertain significance (1 of 4 stars; one submission).

Submission:

Labcorp Genetics (formerly Invitae), Labcorp
Classification: Uncertain significance. Last evaluated: 2025-04-23. Review status: criteria provided, single submitter. Criteria: Invitae Variant Classification Sherloc (09022015). Collection method: clinical testing. Allele origin: germline.
Comment: This sequence change replaces lysine, which is basic and polar, with threonine, which is neutral and polar, at codon 369 of the CLCN6 protein (p.Lys369Thr). This variant is not present in population databases (gnomAD no frequency). This variant has not been reported in the literature in individuals affected with CLCN6-related conditions. ClinVar contains an entry for this variant (Variation ID: 1473809). An algorithm developed to predict the effect of missense changes on protein structure and function (PolyPhen-2) suggests that this variant is likely to be tolerated. In summary, the available evidence is currently insufficient to determine the role of this variant in disease. Therefore, it has been classified as a Variant of Uncertain Significance.